The following is an entry in ClinVar:

ClinVar aggregate classification (germline): Pathogenic (1 of 4 stars; one submission).

Submission:

Labcorp Genetics (formerly Invitae), Labcorp
Classification: Pathogenic. Last evaluated: 2024-04-15. Review status: criteria provided, single submitter. Criteria: Invitae Variant Classification Sherloc (09022015). Collection method: clinical testing. Allele origin: germline.
Comment: This sequence change creates a premature translational stop signal (p.Leu782Cysfs*14) in the POLR3A gene. It is expected to result in an absent or disrupted protein product. Loss-of-function variants in POLR3A are known to be pathogenic (PMID: 21855841, 25339210, 27612211, 30414627, 30450527). This variant is not present in population databases (gnomAD no frequency). This variant has not been reported in the literature in individuals affected with POLR3A-related conditions. For these reasons, this variant has been classified as Pathogenic.

Literature cited by the submitters: PubMed 21855841; PubMed 25339210; PubMed 27612211; PubMed 30414627; PubMed 30450527.

NM_007055.4(POLR3A):c.2344del (p.Leu782fs)

Gene: POLR3A (RNA polymerase III subunit A; minus strand). Cytogenetic location: 10q22.3.
Variant type: Deletion.
Coding change: c.2344del on transcript NM_007055.4 (MANE Select); coding-DNA position 2344, one base deleted (C; older notation c.2344delC).
Protein change: p.Leu782fs; shifts the reading frame from leucine 782.
Molecular consequence: frameshift variant.
Genome position (GRCh38, 1-based): chr10:78,002,212, G deleted on the plus strand (C on the coding strand, the reverse complement: POLR3A is on the minus strand). VCF-style (leftmost placement, unchanged base first): chr10-78002211-AG-A. GRCh37 (hg19) VCF-style: chr10-79761969-AG-A.
Other names: short protein forms L782fs.
Identifiers: ClinVar variation 2742457 (VCV002742457.3), dbSNP rs2493209430, ClinGen allele CA2697558504.